The following is an entry in ClinVar:

ClinVar aggregate classification (germline): Uncertain significance (1 of 4 stars; one submission).

Allele frequency attached by ClinVar (database versions not stated): gnomAD 0.00001.

Submission:

Labcorp Genetics (formerly Invitae), Labcorp
Classification: Uncertain significance. Last evaluated: 2022-07-18. Review status: criteria provided, single submitter. Criteria: Invitae Variant Classification Sherloc (09022015). Collection method: clinical testing. Allele origin: germline.
Comment: This sequence change replaces glycine, which is neutral and non-polar, with arginine, which is basic and polar, at codon 1087 of the GRIN2D protein (p.Gly1087Arg). In summary, the available evidence is currently insufficient to determine the role of this variant in disease. Therefore, it has been classified as a Variant of Uncertain Significance. Advanced modeling of protein sequence and biophysical properties (such as structural, functional, and spatial information, amino acid conservation, physicochemical variation, residue mobility, and thermodynamic stability) performed at Invitae indicates that this missense variant is not expected to disrupt GRIN2D protein function. ClinVar contains an entry for this variant (Variation ID: 1466161). This variant has not been reported in the literature in individuals affected with GRIN2D-related conditions. The frequency data for this variant in the population databases is considered unreliable, as metrics indicate insufficient coverage at this position in the gnomAD database.

NM_000836.4(GRIN2D):c.3259G>A (p.Gly1087Arg)

Gene: GRIN2D (glutamate ionotropic receptor NMDA type subunit 2D; plus strand). Cytogenetic location: 19q13.33.
Variant type: single nucleotide variant.
Coding change: c.3259G>A on transcript NM_000836.4 (MANE Select); coding-DNA position 3259, G replaced by A.
Protein change: p.Gly1087Arg; replaces glycine 1087 with arginine.
Molecular consequence: missense variant.
Genome position (GRCh38, 1-based): chr19:48,443,185, G>A. VCF-style: chr19-48443185-G-A. GRCh37 (hg19) VCF-style: chr19-48946442-G-A.
Other names: short protein forms G1087R.
Identifiers: ClinVar variation 1466161 (VCV001466161.8), dbSNP rs1971327792, ClinGen allele CA406675252.
Genomic context (GRCh38, chr19:48,443,185, plus strand): 5'-GAGAGCCAACCCCTGCTGGGGCCAGGCGCGGGCGGCGCGGGGGGCACGGGGGGCGCAGGC[G>A]GAGGAGCCCCGGCCGCTCCGCCCCCGTGCCGCGCCGCGCCGCCCCCGTGCCCTTACCTCG-3'
Protein context (NP_000827.2, residues 1077-1097): GGAGGTGGAG[Gly1087Arg]GAPAAPPPCR